The following is an entry in ClinVar:

ClinVar aggregate classification (germline): Likely benign (1 of 4 stars; one submission).

Allele frequency attached by ClinVar (database versions not stated): gnomAD exomes below 0.00001.
gnomAD v4.1: 1 of 1,600,950 alleles (0.000062%); highest among the groups gnomAD compares: Non-Finnish European, 0.000085%; no homozygotes.

Submission:

GeneDx
Classification: Likely benign. Last evaluated: 2018-06-06. Review status: criteria provided, single submitter. Criteria: GeneDx Variant Classification (06012015). Collection method: clinical testing. Allele origin: germline. Affected: yes.
Comment: This variant is considered likely benign or benign based on one or more of the following criteria: it is a conservative change, it occurs at a poorly conserved position in the protein, it is predicted to be benign by multiple in silico algorithms, and/or has population frequency not consistent with disease.

NM_201596.3(CACNB2):c.54G>C (p.Ala18=)

Gene: CACNB2 (calcium voltage-gated channel auxiliary subunit beta 2; plus strand). Cytogenetic location: 10p12.33.
Variant type: single nucleotide variant.
Coding change: c.54G>C on transcript NM_201596.3 (MANE Select); coding-DNA position 54, G replaced by C.
Protein change: p.Ala18=; no amino-acid change (alanine 18 retained).
Molecular consequence: synonymous variant. On other transcripts: 5 prime UTR variant (3).
Genome position (GRCh38, 1-based): chr10:18,140,790, G>C. VCF-style: chr10-18140790-G-C. GRCh37 (hg19) VCF-style: chr10-18429719-G-C.
Other names: c.-390G>C (NM_001167945.2, NM_201571.4, NM_201572.4); c.54G>C, p.Ala18= (NM_201593.3, NM_201597.3).
Identifiers: ClinVar variation 669206 (VCV000669206.3), dbSNP rs1444080173, ClinGen allele CA468507605.